The following is an entry in ClinVar:

NM_015338.6(ASXL1):c.3793G>T (p.Asp1265Tyr)

Gene: ASXL1 (ASXL transcriptional regulator 1; plus strand). Cytogenetic location: 20q11.21.
Variant type: single nucleotide variant.
Coding change: c.3793G>T on transcript NM_015338.6 (MANE Select); coding-DNA position 3793, G replaced by T.
Protein change: p.Asp1265Tyr; replaces aspartic acid 1265 with tyrosine.
Molecular consequence: missense variant.
Genome position (GRCh38, 1-based): chr20:32,436,505, G>T. VCF-style: chr20-32436505-G-T. GRCh37 (hg19) VCF-style: chr20-31024308-G-T.
Other names: c.3610G>T, p.Asp1204Tyr (NM_001363734.1); short protein forms D1204Y, D1265Y.
Identifiers: ClinVar variation 2717447 (VCV002717447.4), dbSNP rs200527840, ClinGen allele CA9808903.

ClinVar aggregate classification (germline): Conflicting classifications of pathogenicity. Review status: criteria provided, conflicting classifications (1 of 4 stars). 2 submissions from 2 submitters: Uncertain significance (1); Likely benign (1). Last evaluated 2025-04-25.

Conditions:
Inborn genetic diseases. Identifiers: MedGen C0950123, MeSH D030342.

Allele frequency attached by ClinVar (database versions not stated): gnomAD 0.00008; TOPMed 0.00009; ESP Exome Variant Server 0.00015; gnomAD exomes 0.00015; ExAC 0.00033.
gnomAD v4.1: 237 of 1,614,076 alleles (0.015%); highest among the groups gnomAD compares: Non-Finnish European, 0.018%; no homozygotes.

Submissions (2):

Ambry Genetics
Classification: Likely benign for Inborn genetic diseases. Last evaluated: 2025-04-25. Review status: criteria provided, single submitter. Criteria: Ambry Variant Classification Scheme 2023. Collection method: clinical testing. Allele origin: germline.

Labcorp Genetics (formerly Invitae), Labcorp
Classification: Uncertain significance. Last evaluated: 2023-08-27. Review status: criteria provided, single submitter. Criteria: Invitae Variant Classification Sherloc (09022015). Collection method: clinical testing. Allele origin: germline.
Comment: This sequence change replaces aspartic acid, which is acidic and polar, with tyrosine, which is neutral and polar, at codon 1265 of the ASXL1 protein (p.Asp1265Tyr). This variant is present in population databases (rs200527840, gnomAD 0.04%), and has an allele count higher than expected for a pathogenic variant. This variant has not been reported in the literature in individuals affected with ASXL1-related conditions. An algorithm developed to predict the effect of missense changes on protein structure and function (PolyPhen-2) suggests that this variant is likely to be disruptive. In summary, the available evidence is currently insufficient to determine the role of this variant in disease. Therefore, it has been classified as a Variant of Uncertain Significance.